The following is an entry in ClinVar:

NM_003477.3(PDHX):c.798T>C (p.Pro266=)

Gene: PDHX (pyruvate dehydrogenase complex component X; plus strand). Cytogenetic location: 11p13.
Variant type: single nucleotide variant.
Coding change: c.798T>C on transcript NM_003477.3 (MANE Select); coding-DNA position 798, T replaced by C.
Protein change: p.Pro266=; no amino-acid change (proline 266 retained).
Molecular consequence: synonymous variant. On other transcripts: intron variant (1).
Genome position (GRCh38, 1-based): chr11:34,966,796, T>C. VCF-style: chr11-34966796-T-C. GRCh37 (hg19) VCF-style: chr11-34988343-T-C.
Other names: p.P266P:CCT>CCC; c.618T>C, p.Pro206= (NM_001135024.2); c.343-17774T>C (NM_001166158.2).
Identifiers: ClinVar variation 138662 (VCV000138662.18), dbSNP rs61760973, ClinGen allele CA292747.

ClinVar aggregate classification (germline): Benign. Review status: criteria provided, multiple submitters, no conflicts (2 of 4 stars). 5 submissions from 5 submitters: Benign (4). 1 of the submissions does not count toward it. Last evaluated 2026-02-04.

Conditions:
Pyruvate dehydrogenase E3-binding protein deficiency (PDHXD). Also called: LACTIC ACIDEMIA DUE TO DEFECT IN LIPOYL-CONTAINING COMPONENT X OF THE PYRUVATE DEHYDROGENASE COMPLEX; E3-Binding Protein (Component X) Deficiency; Lacticacidemia due to PDX1 deficiency; PYRUVATE HYDROGENASE E3-BINDING PROTEIN DEFICIENCY. Identifiers: Orphanet 255182, MedGen C1855553, MONDO:0009503, OMIM 245349.

Allele frequency attached by ClinVar (database versions not stated): gnomAD 0.10477 and 0.10150; ExAC 0.06194; TOPMed 0.11219; ESP Exome Variant Server 0.11423; 1000 Genomes Project 30x 0.12258; gnomAD exomes 0.05797; 1000 Genomes Project 0.11701.
gnomAD v4.1: 73,852 of 1,613,592 alleles (4.6%); highest among the groups gnomAD compares: African/African-American, 27%; 4,186 homozygotes.

Submissions (5):

Labcorp Genetics (formerly Invitae), Labcorp
Classification: Benign. Last evaluated: 2026-02-04. Review status: criteria provided, single submitter. Criteria: Invitae Variant Classification Sherloc (09022015). Collection method: clinical testing. Allele origin: germline.

Illumina Laboratory Services, Illumina
Classification: Benign for Pyruvate dehydrogenase E3-binding protein deficiency. Last evaluated: 2018-01-13. Review status: criteria provided, single submitter. Criteria: ICSL Variant Classification Criteria 13 December 2019. Collection method: clinical testing. Allele origin: germline.
Comment: This variant was observed in the ICSL laboratory as part of a predisposition screen in an ostensibly healthy population. It had not been previously curated by ICSL or reported in the Human Gene Mutation Database (HGMD: prior to June 1st, 2018), and was therefore a candidate for classification through an automated scoring system. Utilizing variant allele frequency, disease prevalence and penetrance estimates, and inheritance mode, an automated score was calculated to assess if this variant is too frequent to cause the disease. Based on the score and internal cut-off values, a variant classified as benign is not then subjected to further curation. The score for this variant resulted in a classification of benign for this disease.

GeneDx
Classification: Benign. Last evaluated: 2012-05-23. Review status: criteria provided, single submitter. Criteria: GeneDx Variant Classification (06012015). Collection method: clinical testing. Allele origin: germline. Affected: yes.
Comment: This variant is considered likely benign or benign based on one or more of the following criteria: it is a conservative change, it occurs at a poorly conserved position in the protein, it is predicted to be benign by multiple in silico algorithms, and/or has population frequency not consistent with disease.

Breakthrough Genomics
Classification: Benign. Review status: criteria provided, single submitter. Criteria: ACMG Guidelines, 2015. Collection method: not provided. Allele origin: germline. Inheritance: Autosomal recessive inheritance. Affected: yes.

Mayo Clinic Laboratories, Mayo Clinic
Classification: Benign. Last evaluated: 2016-02-25. Review status: no assertion criteria provided. Collection method: clinical testing. Allele origin: unknown. Not counted in ClinVar's aggregate classification.